The following is an entry in ClinVar:

ClinVar aggregate classification (germline): Uncertain significance. Review status: criteria provided, multiple submitters, no conflicts (2 of 4 stars). 2 submissions from 2 submitters: Uncertain significance (2). Last evaluated 2024-05-30.

Conditions:
Inborn genetic diseases. Identifiers: MedGen C0950123, MeSH D030342.

Allele frequency attached by ClinVar (database versions not stated): gnomAD 0.00011; TOPMed 0.00034.
gnomAD v4.1: 31 of 1,614,072 alleles (0.0019%); highest among the groups gnomAD compares: Admixed American, 0.042%; no homozygotes.

Submissions (2):

Ambry Genetics
Classification: Uncertain significance for Inborn genetic diseases. Last evaluated: 2024-05-30. Review status: criteria provided, single submitter. Criteria: Ambry Variant Classification Scheme 2023. Collection method: clinical testing. Allele origin: germline.

Labcorp Genetics (formerly Invitae), Labcorp
Classification: Uncertain significance. Last evaluated: 2022-09-01. Review status: criteria provided, single submitter. Criteria: Invitae Variant Classification Sherloc (09022015). Collection method: clinical testing. Allele origin: germline.
Comment: This sequence change replaces glycine, which is neutral and non-polar, with valine, which is neutral and non-polar, at codon 775 of the COL27A1 protein (p.Gly775Val). This variant is present in population databases (no rsID available, gnomAD 0.003%). This variant has not been reported in the literature in individuals affected with COL27A1-related conditions. Algorithms developed to predict the effect of missense changes on protein structure and function are either unavailable or do not agree on the potential impact of this missense change (SIFT: "Deleterious"; PolyPhen-2: "Not Available"; Align-GVGD: "Class C65"). Algorithms developed to predict the effect of sequence changes on RNA splicing suggest that this variant may create or strengthen a splice site. In summary, the available evidence is currently insufficient to determine the role of this variant in disease. Therefore, it has been classified as a Variant of Uncertain Significance.

NM_032888.4(COL27A1):c.2324G>T (p.Gly775Val)

Gene: COL27A1 (collagen type XXVII alpha 1 chain; plus strand). Cytogenetic location: 9q32.
Variant type: single nucleotide variant.
Coding change: c.2324G>T on transcript NM_032888.4 (MANE Select); coding-DNA position 2324, G replaced by T.
Protein change: p.Gly775Val; replaces glycine 775 with valine.
Molecular consequence: missense variant.
Genome position (GRCh38, 1-based): chr9:114,210,983, G>T. VCF-style: chr9-114210983-G-T. GRCh37 (hg19) VCF-style: chr9-116973263-G-T.
Other names: short protein forms G775V.
Identifiers: ClinVar variation 2069948 (VCV002069948.3), dbSNP rs931553328, ClinGen allele CA198638437.
Genomic context (GRCh38, chr9:114,210,983, plus strand): 5'-AAGCCTGGCTGTCCCTGCTGGCATCCTGCCCTGACCTCTCCCCTGTCTCTCCCCTGCAGG[G>T]CCTGCCTGGCGTTCCTGGCAAGAGGGGCAAGATGGGTATGCCGGTAAAGATTTTCCGTGT-3'
Protein context (NP_116277.2, residues 765-785): FGLPGSDGER[Gly775Val]LPGVPGKRGK